The following is an entry in ClinVar:

ClinVar aggregate classification (germline): Likely pathogenic (1 of 4 stars; one submission).

Conditions:
Autosomal recessive cutis laxa type 2B (ARCL2B). Also called: CUTIS LAXA, AUTOSOMAL RECESSIVE, TYPE IIB; CUTIS LAXA WITH PROGEROID FEATURES. Identifiers: Orphanet 357064, MedGen C2751987, MONDO:0013051, OMIM 612940. Disease mechanism: loss of function.

Submission:

3billion
Classification: Likely pathogenic for Autosomal recessive cutis laxa type 2B. Last evaluated: 2022-03-22. Review status: criteria provided, single submitter. Criteria: ACMG Guidelines, 2015. Collection method: clinical testing. Allele origin: germline. Affected: yes. Observed: 1 heterozygote.
Comment: Canonical splice site: predicted to alter splicing and result in a loss or disruption of normal protein function through nonsense-mediated decay (NMD) or protein truncation. Multiple pathogenic variants are reported downstream of the variant.It is not observed in the gnomAD v2.1.1 dataset. Therefore, this variant is classified as likely pathogenic according to the recommendation of ACMG/AMP guideline.

NM_006907.4(PYCR1):c.540+1G>T

Gene: PYCR1 (pyrroline-5-carboxylate reductase 1; minus strand). Cytogenetic location: 17q25.3.
Variant type: single nucleotide variant.
Coding change: c.540+1G>T on transcript NM_006907.4 (MANE Select); the canonical splice donor site of the intron after coding-DNA position 540, G replaced by T.
Molecular consequence: splice donor variant.
Genome position (GRCh38, 1-based): chr17:81,934,925, C>A on the plus strand (G>T on the coding strand, the complement: PYCR1 is on the minus strand). VCF-style: chr17-81934925-C-A. GRCh37 (hg19) VCF-style: chr17-79892801-C-A.
Other names: c.540+1G>T (NM_001282279.2, NM_001330523.2, NM_001282280.2 and 1 more transcripts); c.621+1G>T (NM_001282281.2).
Identifiers: ClinVar variation 1526132 (VCV001526132.1), dbSNP rs752297179, ClinGen allele CA401538084.